The following is an entry in ClinVar:

NM_017636.4(TRPM4):c.2645+4_2645+7del

Gene: TRPM4 (transient receptor potential cation channel subfamily M member 4; plus strand). Cytogenetic location: 19q13.33.
Variant type: Deletion.
Coding change: c.2645+4_2645+7del on transcript NM_017636.4 (MANE Select); bases 4 to 7 of the intron after coding-DNA position 2645, 4 bases deleted (AGTG; older notation c.2645+4_2645+7delAGTG).
Molecular consequence: splice donor variant. On other transcripts: intron variant (1).
Genome position (GRCh38, 1-based): chr19:49,196,878-49,196,881, AGTG deleted; deleting any 4 consecutive bases within chr19:49,196,875-49,196,881 gives the same sequence; the c. name uses the placement nearest the transcript's 3' end. VCF-style (leftmost placement, unchanged base first): chr19-49196874-GGTGA-G. GRCh37 (hg19) VCF-style: chr19-49700131-GGTGA-G.
Other names: c.2211-3422_2211-3419del (NM_001195227.2); c.1037+4_1037+7del (NM_001321282.2); c.2300+4_2300+7del (NM_001321281.2); c.2123+4_2123+7del (NM_001321283.2); c.1583+4_1583+7del (NM_001321285.2).
Identifiers: ClinVar variation 1425427 (VCV001425427.6), dbSNP rs2123045614, ClinGen allele CA2573156586.

ClinVar aggregate classification (germline): Uncertain significance (1 of 4 stars; one submission).

Conditions:
Progressive familial heart block type IB (PFHB1B). Identifiers: Orphanet 871, MedGen C1970298, MONDO:0011474, OMIM 604559.

Submission:

Labcorp Genetics (formerly Invitae), Labcorp
Classification: Uncertain significance for Progressive familial heart block type IB. Last evaluated: 2022-07-19. Review status: criteria provided, single submitter. Criteria: Invitae Variant Classification Sherloc (09022015). Collection method: clinical testing. Allele origin: germline.
Comment: This sequence change falls in intron 17 of the TRPM4 gene. It does not directly change the encoded amino acid sequence of the TRPM4 protein. It affects a nucleotide within the consensus splice site. In summary, the available evidence is currently insufficient to determine the role of this variant in disease. Therefore, it has been classified as a Variant of Uncertain Significance. Variants that disrupt the consensus splice site are a relatively common cause of aberrant splicing (PMID: 17576681, 9536098). Algorithms developed to predict the effect of sequence changes on RNA splicing suggest that this variant may disrupt the consensus splice site. ClinVar contains an entry for this variant (Variation ID: 1425427). This variant has not been reported in the literature in individuals affected with TRPM4-related conditions. This variant is not present in population databases (gnomAD no frequency).

Literature cited by the submitters: PubMed 17576681; PubMed 9536098.